The following is an entry in ClinVar:

NM_017837.4(PIGV):c.851G>A (p.Gly284Asp)

Gene: PIGV (phosphatidylinositol glycan anchor biosynthesis class V; plus strand). Cytogenetic location: 1p36.11.
Variant type: single nucleotide variant.
Coding change: c.851G>A on transcript NM_017837.4 (MANE Select); coding-DNA position 851, G replaced by A.
Protein change: p.Gly284Asp; replaces glycine 284 with aspartic acid.
Molecular consequence: missense variant. On other transcripts: non-coding transcript variant (1), intron variant (1).
Genome position (GRCh38, 1-based): chr1:26,794,885, G>A. VCF-style: chr1-26794885-G-A. GRCh37 (hg19) VCF-style: chr1-27121376-G-A.
Other names: c.851G>A, p.Gly284Asp (NM_001202554.2, NM_001374478.1, NM_001374480.1 and 2 more transcripts); c.470G>A, p.Gly157Asp (NM_001374483.1); c.224G>A, p.Gly75Asp (NM_001374484.1, NM_001374485.1); c.79-2678G>A (NM_001374486.1); short protein forms G284D, G157D, G75D.
Identifiers: ClinVar variation 297119 (VCV000297119.8), dbSNP rs557206710, ClinGen allele CA708129.
Genomic context (GRCh38, chr1:26,794,885, plus strand): 5'-GTCTGCCAGGCTCAGCCCGCCCCATTCCTGAGCCTTTGGTACAGTTAGCTGTAGACAAGG[G>A]CTACCGGATTGCAGAGGGAAATGAACCGCCTTGGTGCTTCTGGGATGTTCCACTAATATA-3'
Protein context (NP_060307.2, residues 274-294): EPLVQLAVDK[Gly284Asp]YRIAEGNEPP

ClinVar aggregate classification (germline): Uncertain significance. Review status: criteria provided, multiple submitters, no conflicts (2 of 4 stars). 3 submissions from 3 submitters: Uncertain significance (3). Last evaluated 2022-08-19.

Conditions:
Hyperphosphatasia with impaired intellectual development syndrome 1. Also called: MABRY SYNDROME; GLYCOSYLPHOSPHATIDYLINOSITOL BIOSYNTHESIS DEFECT 2; Hyperphosphatasia with intellectual disability syndrome 1. Identifiers: Orphanet 247262, MedGen C4551502, MONDO:0009398, OMIM 239300.

Allele frequency attached by ClinVar (database versions not stated): gnomAD exomes 0.00011 and 0.00005; gnomAD below 0.00001 and 0.00003; ExAC 0.00017; 1000 Genomes Project 0.00020; TOPMed 0.00001; 1000 Genomes Project 30x 0.00016.
gnomAD v4.1: 72 of 1,614,170 alleles (0.0045%); highest among the groups gnomAD compares: South Asian, 0.077%; no homozygotes.

Submissions (3):

Labcorp Genetics (formerly Invitae), Labcorp
Classification: Uncertain significance. Last evaluated: 2022-08-19. Review status: criteria provided, single submitter. Criteria: Invitae Variant Classification Sherloc (09022015). Collection method: clinical testing. Allele origin: germline.
Comment: This sequence change replaces glycine, which is neutral and non-polar, with aspartic acid, which is acidic and polar, at codon 284 of the PIGV protein (p.Gly284Asp). This variant is present in population databases (rs557206710, gnomAD 0.09%). This variant has not been reported in the literature in individuals affected with PIGV-related conditions. ClinVar contains an entry for this variant (Variation ID: 297119). Algorithms developed to predict the effect of missense changes on protein structure and function are either unavailable or do not agree on the potential impact of this missense change (SIFT: "Tolerated"; PolyPhen-2: "Possibly Damaging"; Align-GVGD: "Class C0"). In summary, the available evidence is currently insufficient to determine the role of this variant in disease. Therefore, it has been classified as a Variant of Uncertain Significance.

Illumina Laboratory Services, Illumina
Classification: Uncertain significance for Hyperphosphatasia with impaired intellectual development syndrome 1. Last evaluated: 2018-01-12. Review status: criteria provided, single submitter. Criteria: ICSL Variant Classification Criteria 13 December 2019. Collection method: clinical testing. Allele origin: germline.

Neuberg Centre For Genomic Medicine, NCGM
Classification: Uncertain significance for Hyperphosphatasia with impaired intellectual development syndrome 1. Review status: criteria provided, single submitter. Criteria: ACMG Guidelines, 2015. Collection method: clinical testing. Allele origin: germline. Inheritance: Autosomal recessive inheritance. Affected: yes.
Comment: The missense variant c.851G>A (p.Gly284Asp) in the PIGV gene has not been reported previously as a pathogenic variant nor as a benign variant, to our knowledge. This variant is reported with the allele frequency (0.01%) in the gnomAD Exomes. This variant has been reported to the ClinVar database as Uncertain Significance. However, no details are available for independent assessment. The amino acid Glycine at position 284 is changed to an Asparagine changing protein sequence and it might alter its composition and physico- chemical properties. The variant is predicted as damaging by SIFT. The amino acid change p.Gly284Asp in PIGV is predicted as conserved by GERP++ and PhyloP across 100 vertebrates.